The following is an entry in ClinVar:

NM_206937.2(LIG4):c.2708T>C (p.Leu903Ser)

Gene: LIG4 (DNA ligase 4; minus strand). Cytogenetic location: 13q33.3.
Variant type: single nucleotide variant.
Coding change: c.2708T>C on transcript NM_206937.2 (MANE Select); coding-DNA position 2708, T replaced by C.
Protein change: p.Leu903Ser; replaces leucine 903 with serine.
Molecular consequence: missense variant.
Genome position (GRCh38, 1-based): chr13:108,208,561, A>G on the plus strand (T>C on the coding strand, the complement: LIG4 is on the minus strand). VCF-style: chr13-108208561-A-G. GRCh37 (hg19) VCF-style: chr13-108860909-A-G.
Other names: c.2507T>C, p.Leu836Ser (NM_001330595.2); c.2708T>C, p.Leu903Ser (NM_001352598.2, NM_001352599.2, NM_001352600.2 and 6 more transcripts); c.2744T>C, p.Leu915Ser (NM_001352604.2); short protein forms L915S, L903S, L836S.
Identifiers: ClinVar variation 4771576 (VCV004771576.1).

ClinVar aggregate classification (germline): Uncertain significance (1 of 4 stars; one submission).

Conditions:
DNA ligase IV deficiency. Identifiers: Orphanet 99812, MedGen C1847827, MONDO:0011686, OMIM 606593.

gnomAD v4.1: 1 of 1,611,738 alleles (0.000062%); no homozygotes.

Submission:

Labcorp Genetics (formerly Invitae), Labcorp
Classification: Uncertain significance for DNA ligase IV deficiency. Last evaluated: 2025-05-14. Review status: criteria provided, single submitter. Criteria: Invitae Variant Classification Sherloc (09022015). Collection method: clinical testing. Allele origin: germline.
Comment: This sequence change replaces leucine, which is neutral and non-polar, with serine, which is neutral and polar, at codon 903 of the LIG4 protein (p.Leu903Ser). This variant is not present in population databases (gnomAD no frequency). This variant has not been reported in the literature in individuals affected with LIG4-related conditions. Invitae Evidence Modeling of protein sequence and biophysical properties (such as structural, functional, and spatial information, amino acid conservation, physicochemical variation, residue mobility, and thermodynamic stability) has been performed for this missense variant. However, the output from this modeling did not meet the statistical confidence thresholds required to predict the impact of this variant on LIG4 protein function. In summary, the available evidence is currently insufficient to determine the role of this variant in disease. Therefore, it has been classified as a Variant of Uncertain Significance.